The following is an entry in ClinVar:

NM_001385012.1(NBEA):c.4244C>T (p.Thr1415Met)

Gene: NBEA (neurobeachin; plus strand). Cytogenetic location: 13q13.3.
Variant type: single nucleotide variant.
Coding change: c.4244C>T on transcript NM_001385012.1 (MANE Select); coding-DNA position 4244, C replaced by T.
Protein change: p.Thr1415Met; replaces threonine 1415 with methionine.
Molecular consequence: missense variant.
Genome position (GRCh38, 1-based): chr13:35,171,273, C>T. VCF-style: chr13-35171273-C-T. GRCh37 (hg19) VCF-style: chr13-35745410-C-T.
Other names: p.Thr1415Met; c.4235C>T, p.Thr1412Met (NM_001379245.1); c.4244C>T, p.Thr1415Met (NM_015678.5); c.4244C>T (NM_015678.4); short protein forms T1412M, T1415M.
Identifiers: ClinVar variation 2643747 (VCV002643747.27), dbSNP rs201205330, ClinGen allele CA6946842.

ClinVar aggregate classification (germline): Likely benign. Review status: criteria provided, multiple submitters, no conflicts (2 of 4 stars). 4 submissions from 4 submitters: Likely benign (3). 1 of the submissions does not count toward it. Last evaluated 2026-01-01.

Conditions:
NBEA-related disorder. Also called: NBEA-related condition.

Allele frequency attached by ClinVar (database versions not stated): 1000 Genomes Project 0.00040; gnomAD 0.00046; TOPMed 0.00053; gnomAD exomes 0.00056; ESP Exome Variant Server 0.00059; 1000 Genomes Project 30x 0.00062; ExAC 0.00077.
gnomAD v4.1: 891 of 1,604,378 alleles (0.056%); highest among the groups gnomAD compares: South Asian, 0.16%; 1 homozygote.

Submissions (4):

CeGaT Center for Human Genetics Tuebingen
Classification: Likely benign. Last evaluated: 2026-01-01. Review status: criteria provided, single submitter. Criteria: CeGaT Center For Human Genetics Tuebingen Variant Classification Criteria Version 2. Collection method: clinical testing. Allele origin: germline. Affected: yes. Observed: 6 variant alleles.
Comment: NBEA: BS1

Mayo Clinic Laboratories, Mayo Clinic
Classification: Likely benign. Last evaluated: 2025-05-05. Review status: criteria provided, single submitter. Criteria: ACMG Guidelines, 2015. Collection method: clinical testing. Allele origin: germline. Observed: 1 variant allele.
Comment: BS1, BP4_moderate, PP2

Blueprint Genetics
Classification: Likely benign. Last evaluated: 2024-11-01. Review status: criteria provided, single submitter. Criteria: ACMG Guidelines, 2015. Collection method: clinical testing. Allele origin: germline.

PreventionGenetics, part of Exact Sciences
Classification: Likely benign for NBEA-related condition. Last evaluated: 2022-11-08. Review status: no assertion criteria provided. Collection method: clinical testing. Allele origin: germline. Not counted in ClinVar's aggregate classification.
Comment: This variant is classified as likely benign based on ACMG/AMP sequence variant interpretation guidelines (Richards et al. 2015 PMID: 25741868, with internal and published modifications).